The following is an entry in ClinVar:

ClinVar aggregate classification (germline): Uncertain significance (1 of 4 stars; one submission).

Conditions:
Agammaglobulinemia 6, autosomal recessive (AGM6). Also called: AGAMMAGLOBULINEMIA 6; AGAMMAGLOBULINEMIA, AUTOSOMAL RECESSIVE, DUE TO CD79B DEFECT. Identifiers: MedGen C3150207, MONDO:0012987, OMIM 612692.

Submission:

Labcorp Genetics (formerly Invitae), Labcorp
Classification: Uncertain significance for Agammaglobulinemia 6, autosomal recessive. Last evaluated: 2022-06-08. Review status: criteria provided, single submitter. Criteria: Invitae Variant Classification Sherloc (09022015). Collection method: clinical testing. Allele origin: germline.
Comment: This variant is not present in population databases (gnomAD no frequency). In summary, the available evidence is currently insufficient to determine the role of this variant in disease. Therefore, it has been classified as a Variant of Uncertain Significance. Algorithms developed to predict the effect of missense changes on protein structure and function are either unavailable or do not agree on the potential impact of this missense change (SIFT: "Not Available"; PolyPhen-2: "Probably Damaging"; Align-GVGD: "Not Available"). This variant has not been reported in the literature in individuals affected with CD79B-related conditions. This sequence change replaces threonine, which is neutral and polar, with serine, which is neutral and polar, at codon 195 of the CD79B protein (p.Thr195Ser).

NM_000626.4(CD79B):c.584C>G (p.Thr195Ser)

Genes: CD79B (CD79b molecule; minus strand), GH-LCR (growth hormone locus control region; plus strand). Cytogenetic location: 17q23.3.
Variant type: single nucleotide variant.
Coding change: c.584C>G on transcript NM_000626.4 (MANE Select); coding-DNA position 584, C replaced by G.
Protein change: p.Thr195Ser; replaces threonine 195 with serine.
Molecular consequence: missense variant.
Genome position (GRCh38, 1-based): chr17:63,929,441, G>C on the plus strand (C>G on the coding strand, the complement: CD79B is on the minus strand). VCF-style: chr17-63929441-G-C. GRCh37 (hg19) VCF-style: chr17-62006801-G-C.
Other names: c.587C>G, p.Thr196Ser (NM_001039933.3); c.275C>G, p.Thr92Ser (NM_001329050.2); c.272C>G, p.Thr91Ser (NM_021602.4); short protein forms T195S, T92S, T196S, T91S.
Identifiers: ClinVar variation 2095290 (VCV002095290.4), dbSNP rs2509265925, ClinGen allele CA400603669.